The following is an entry in ClinVar:

ClinVar aggregate classification (germline): Uncertain significance (1 of 4 stars; one submission).

Submission:

GeneDx
Classification: Uncertain significance. Last evaluated: 2025-06-20. Review status: criteria provided, single submitter. Criteria: GeneDx Variant Classification Process June 2021. Collection method: clinical testing. Allele origin: germline. Affected: yes.
Comment: Not observed at significant frequency in large population cohorts (gnomAD); Intron-exon boundary splice variant predicted to result in in-frame del for which loss of function is a known mechanism of disease; Has not been previously published as pathogenic or benign to our knowledge

NM_197968.4(ZMYM2):c.3452_3453+1del

Gene: ZMYM2 (zinc finger MYM-type containing 2; plus strand). Cytogenetic location: 13q12.11.
Variant type: Microsatellite.
Coding change: c.3452_3453+1del on transcript NM_197968.4 (MANE Select); coding-DNA position 3452 through the canonical splice donor site of the intron after coding-DNA position 3453, 3 bases deleted (AGG; older notation c.3452_3453+1delAGG).
Molecular consequence: splice donor variant.
Genome position (GRCh38, 1-based): chr13:20,067,389-20,067,391, AGG deleted; deleting any 3 consecutive bases within chr13:20,067,386-20,067,391 gives the same sequence; the c. name uses the placement nearest the transcript's 3' end. VCF-style (leftmost placement, unchanged base first): chr13-20067385-CAGG-C. GRCh37 (hg19) VCF-style: chr13-20641525-CAGG-C.
Other names: c.3191_3192+1del (NM_001353163.2); c.3452_3453+1del (NM_001353157.2, NM_001353164.2, NM_001353159.2 and 5 more transcripts); c.3257_3258+1del (NM_001353161.3).
Identifiers: ClinVar variation 4538632 (VCV004538632.1).